The following is an entry in ClinVar:

NM_020166.5(MCCC1):c.283G>A (p.Ala95Thr)

Gene: MCCC1 (methylcrotonyl-CoA carboxylase subunit 1; minus strand). Cytogenetic location: 3q27.1.
Variant type: single nucleotide variant.
Coding change: c.283G>A on transcript NM_020166.5 (MANE Select); coding-DNA position 283, G replaced by A.
Protein change: p.Ala95Thr; replaces alanine 95 with threonine.
Molecular consequence: missense variant. On other transcripts: synonymous variant (1), 5 prime UTR variant (1), non-coding transcript variant (1).
Genome position (GRCh38, 1-based): chr3:183,086,779, C>T on the plus strand (G>A on the coding strand, the complement: MCCC1 is on the minus strand). VCF-style: chr3-183086779-C-T. GRCh37 (hg19) VCF-style: chr3-182804567-C-T.
Other names: c.54G>A, p.Lys18= (NM_001293273.2); c.-45G>A (NM_001363880.1); short protein forms A95T.
Identifiers: ClinVar variation 1411408 (VCV001411408.5), dbSNP rs1453501166, ClinGen allele CA355319632.

ClinVar aggregate classification (germline): Uncertain significance (1 of 4 stars; one submission).

Conditions:
3-methylcrotonyl-CoA carboxylase 1 deficiency (MCC1D). Also called: METHYLCROTONYLGLYCINURIA TYPE I; MCCD TYPE 1; MCC 1 deficiency; 3 Alpha methylcrotonylglycinuria 1. Identifiers: Orphanet 6, MedGen CN028786, MONDO:0008861, OMIM 210200.

Allele frequency attached by ClinVar (database versions not stated): gnomAD exomes below 0.00001; gnomAD 0.00001.
gnomAD v4.1: 2 of 1,613,788 alleles (0.00012%); highest among the groups gnomAD compares: Non-Finnish European, 0.00017%; no homozygotes.

Submission:

Labcorp Genetics (formerly Invitae), Labcorp
Classification: Uncertain significance for 3-methylcrotonyl-CoA carboxylase 1 deficiency. Last evaluated: 2022-08-01. Review status: criteria provided, single submitter. Criteria: Invitae Variant Classification Sherloc (09022015). Collection method: clinical testing. Allele origin: germline.
Comment: This sequence change replaces alanine, which is neutral and non-polar, with threonine, which is neutral and polar, at codon 95 of the MCCC1 protein (p.Ala95Thr). This variant is present in population databases (no rsID available, gnomAD 0.002%). This variant has not been reported in the literature in individuals affected with MCCC1-related conditions. ClinVar contains an entry for this variant (Variation ID: 1411408). Advanced modeling of protein sequence and biophysical properties (such as structural, functional, and spatial information, amino acid conservation, physicochemical variation, residue mobility, and thermodynamic stability) performed at Invitae indicates that this missense variant is expected to disrupt MCCC1 protein function. In summary, the available evidence is currently insufficient to determine the role of this variant in disease. Therefore, it has been classified as a Variant of Uncertain Significance.